The following is an entry in ClinVar:

NM_020778.5(ALPK3):c.2963C>T (p.Thr988Ile)

Gene: ALPK3 (alpha kinase 3; plus strand). Cytogenetic location: 15q25.3.
Variant type: single nucleotide variant.
Coding change: c.2963C>T on transcript NM_020778.5 (MANE Select); coding-DNA position 2963, C replaced by T.
Protein change: p.Thr988Ile; replaces threonine 988 with isoleucine.
Molecular consequence: missense variant.
Genome position (GRCh38, 1-based): chr15:84,857,701, C>T. VCF-style: chr15-84857701-C-T. GRCh37 (hg19) VCF-style: chr15-85400932-C-T.
Other names: short protein forms T988I.
Identifiers: ClinVar variation 1387930 (VCV001387930.6), dbSNP rs2141568498, ClinGen allele CA393359335.
Genomic context (GRCh38, chr15:84,857,701, plus strand): 5'-TGAAGCTGTCCAGCACAGAGACAAGTGGAGCAGGGGGAGAGTCCCAGGTGGGGGCAGCCA[C>T]CGGAGGTCTGGTGCCCTCAGCCACTCTGACACCCACTGTGGAAGTGGCTGGGCTTAGTCC-3'
Protein context (NP_065829.4, residues 978-998): AGGESQVGAA[Thr988Ile]GGLVPSATLT

ClinVar aggregate classification (germline): Uncertain significance (1 of 4 stars; one submission).

Submission:

Labcorp Genetics (formerly Invitae), Labcorp
Classification: Uncertain significance. Last evaluated: 2021-10-19. Review status: criteria provided, single submitter. Criteria: Invitae Variant Classification Sherloc (09022015). Collection method: clinical testing. Allele origin: germline.
Comment: In summary, the available evidence is currently insufficient to determine the role of this variant in disease. Therefore, it has been classified as a Variant of Uncertain Significance. Algorithms developed to predict the effect of missense changes on protein structure and function output the following: SIFT: "Tolerated"; PolyPhen-2: "Benign"; Align-GVGD: "Class C0". The isoleucine amino acid residue is found in multiple mammalian species, which suggests that this missense change does not adversely affect protein function. This variant has not been reported in the literature in individuals affected with ALPK3-related conditions. This variant is not present in population databases (ExAC no frequency). This sequence change replaces threonine with isoleucine at codon 1190 of the ALPK3 protein (p.Thr1190Ile). The threonine residue is weakly conserved and there is a moderate physicochemical difference between threonine and isoleucine.